The following is an entry in ClinVar:

ClinVar aggregate classification (germline): Conflicting classifications of pathogenicity. Review status: criteria provided, conflicting classifications (1 of 4 stars). 2 submissions from 2 submitters: Uncertain significance (1); Likely benign (1). Last evaluated 2025-06-19.

Conditions:
Inborn genetic diseases. Identifiers: MedGen C0950123, MeSH D030342.

Allele frequency attached by ClinVar (database versions not stated): gnomAD exomes below 0.00001; gnomAD 0.00001; TOPMed 0.00001.
gnomAD v4.1: 3 of 1,614,182 alleles (0.00019%); highest among the groups gnomAD compares: African/African-American, 0.0013%; no homozygotes.

Submissions (2):

Labcorp Genetics (formerly Invitae), Labcorp
Classification: Uncertain significance. Last evaluated: 2025-06-19. Review status: criteria provided, single submitter. Criteria: Invitae Variant Classification Sherloc (09022015). Collection method: clinical testing. Allele origin: germline.
Comment: This sequence change replaces valine, which is neutral and non-polar, with alanine, which is neutral and non-polar, at codon 225 of the TOPORS protein (p.Val225Ala). This variant is not present in population databases (gnomAD no frequency). This variant has not been reported in the literature in individuals affected with TOPORS-related conditions. ClinVar contains an entry for this variant (Variation ID: 1486368). An algorithm developed to predict the effect of missense changes on protein structure and function outputs the following: PolyPhen-2: "Benign". The alanine amino acid residue is found in multiple mammalian species, which suggests that this missense change does not adversely affect protein function. In summary, the available evidence is currently insufficient to determine the role of this variant in disease. Therefore, it has been classified as a Variant of Uncertain Significance.

Ambry Genetics
Classification: Likely benign for Inborn genetic diseases. Last evaluated: 2022-11-08. Review status: criteria provided, single submitter. Criteria: Ambry Variant Classification Scheme 2023. Collection method: clinical testing. Allele origin: germline.

NM_005802.5(TOPORS):c.674T>C (p.Val225Ala)

Gene: TOPORS (TOP1 binding arginine/serine rich protein, E3 ubiquitin ligase; minus strand). Cytogenetic location: 9p21.1.
Variant type: single nucleotide variant.
Coding change: c.674T>C on transcript NM_005802.5 (MANE Select); coding-DNA position 674, T replaced by C.
Protein change: p.Val225Ala; replaces valine 225 with alanine.
Molecular consequence: missense variant.
Genome position (GRCh38, 1-based): chr9:32,543,851, A>G on the plus strand (T>C on the coding strand, the complement: TOPORS is on the minus strand). VCF-style: chr9-32543851-A-G. GRCh37 (hg19) VCF-style: chr9-32543849-A-G.
Other names: c.479T>C, p.Val160Ala (NM_001195622.2); c.674T>C (NM_005802.4); short protein forms V225A, V160A.
Identifiers: ClinVar variation 1486368 (VCV001486368.9), dbSNP rs1294058368, ClinGen allele CA373172134.